The following is an entry in ClinVar:

NM_201384.3(PLEC):c.12784G>A (p.Val4262Ile)

Gene: PLEC (plectin; minus strand). Cytogenetic location: 8q24.3.
Variant type: single nucleotide variant.
Coding change: c.12784G>A on transcript NM_201384.3 (MANE Select); coding-DNA position 12784, G replaced by A.
Protein change: p.Val4262Ile; replaces valine 4262 with isoleucine.
Molecular consequence: missense variant.
Genome position (GRCh38, 1-based): chr8:143,917,037, C>T on the plus strand (G>A on the coding strand, the complement: PLEC is on the minus strand). VCF-style: chr8-143917037-C-T. GRCh37 (hg19) VCF-style: chr8-144991205-C-T.
Other names: p.Val4248Ile; c.12865G>A, p.Val4289Ile (NM_000445.5); c.12742G>A, p.Val4248Ile (NM_201378.4); c.12718G>A, p.Val4240Ile (NM_201379.3); c.13195G>A, p.Val4399Ile (NM_201380.4); c.12688G>A, p.Val4230Ile (NM_201381.3); c.12784G>A, p.Val4262Ile (NM_201382.4); c.12796G>A, p.Val4266Ile (NM_201383.3); short protein forms V4230I, V4240I, V4248I, V4262I, V4266I, V4289I, V4399I.
Identifiers: ClinVar variation 93029 (VCV000093029.24), dbSNP rs142946078, ClinGen allele CA146277.

ClinVar aggregate classification (germline): Benign. Review status: criteria provided, multiple submitters, no conflicts (2 of 4 stars). 9 submissions from 9 submitters: Benign (6). 3 of the submissions do not count toward it. Last evaluated 2026-01-17.

Conditions:
PLEC-related disorder. Also called: PLEC-related disorders; PLEC-related condition.
Epidermolysis bullosa simplex with nail dystrophy (EBS5D). Identifiers: MedGen C4225309, MONDO:0014661, OMIM 616487.
Epidermolysis bullosa simplex 5C, with pyloric atresia (EBS5C). Also called: PLEC-Related Epidermolysis Bullosa with Pyloric Atresia; Epidermolysis bullosa simplex with pyloric atresia; PLEC1-Related Epidermolysis Bullosa with Pyloric Atresia. Identifiers: Orphanet 158684, MedGen C2677349, MONDO:0012807, OMIM 612138.
Epidermolysis bullosa simplex 5B, with muscular dystrophy (EBS5B). Also called: EPIDERMOLYSIS BULLOSA SIMPLEX AND LIMB-GIRDLE MUSCULAR DYSTROPHY; Epidermolysis bullosa simplex with muscular dystrophy. Identifiers: Orphanet 257, MedGen C2931072, MONDO:0009181, OMIM 226670.
Autosomal recessive limb-girdle muscular dystrophy type 2Q (LGMDR17). Also called: MUSCULAR DYSTROPHY, LIMB-GIRDLE, AUTOSOMAL RECESSIVE 17. Identifiers: Orphanet 254361, MedGen C3150989, MONDO:0013390, OMIM 613723.
Epidermolysis bullosa simplex, Ogna type (EBS5A). Also called: Pidermolysis bullosa simplex 5A, Ogna type; EPIDERMOLYSIS BULLOSA SIMPLEX 5A, OGNA TYPE. Identifiers: Orphanet 79401, MedGen C0432317, MONDO:0007555, OMIM 131950.

Allele frequency attached by ClinVar (database versions not stated): ExAC 0.00307; 1000 Genomes Project 0.01158; ESP Exome Variant Server 0.00016; gnomAD 0.00117 and 0.00165; TOPMed 0.00168; 1000 Genomes Project 30x 0.01124; gnomAD exomes 0.00341 and 0.00074.
gnomAD v4.1: 1,520 of 1,610,610 alleles (0.094%); highest among the groups gnomAD compares: East Asian, 2.3%; 26 homozygotes.

Submissions (9):

Labcorp Genetics (formerly Invitae), Labcorp
Classification: Benign for Autosomal recessive limb-girdle muscular dystrophy type 2Q; Epidermolysis bullosa simplex, Ogna type; Epidermolysis bullosa simplex with nail dystrophy; Epidermolysis bullosa simplex 5C, with pyloric atresia; Epidermolysis bullosa simplex 5B, with muscular dystrophy. Last evaluated: 2026-01-17. Review status: criteria provided, single submitter. Criteria: Invitae Variant Classification Sherloc (09022015). Collection method: clinical testing. Allele origin: germline.

Mayo Clinic Laboratories, Mayo Clinic
Classification: Benign. Last evaluated: 2023-06-22. Review status: criteria provided, single submitter. Criteria: ACMG Guidelines, 2015. Collection method: clinical testing. Allele origin: germline. Observed: 8 variant alleles.
Comment: BA1, BP4

Dubai Health Genomic Medicine Center, Dubai Health
Classification: Benign for Autosomal recessive limb-girdle muscular dystrophy type 2Q. Last evaluated: 2020-03-30. Review status: criteria provided, single submitter. Criteria: ACMG Guidelines, 2015. Collection method: clinical testing. Allele origin: germline. Affected: yes.

Athena Diagnostics
Classification: Benign. Last evaluated: 2018-08-14. Review status: criteria provided, single submitter. Criteria: Athena Diagnostics Criteria. Collection method: clinical testing. Allele origin: germline.

GeneDx
Classification: Benign. Last evaluated: 2016-12-19. Review status: criteria provided, single submitter. Criteria: GeneDx Variant Classification (06012015). Collection method: clinical testing. Allele origin: germline. Affected: yes.
Comment: This variant is considered likely benign or benign based on one or more of the following criteria: it is a conservative change, it occurs at a poorly conserved position in the protein, it is predicted to be benign by multiple in silico algorithms, and/or has population frequency not consistent with disease.

Eurofins Ntd Llc (ga)
Classification: Benign. Last evaluated: 2013-09-25. Review status: criteria provided, single submitter. Criteria: EGL Classification Definitions 2015. Collection method: clinical testing. Allele origin: germline. Observed: 2 variant alleles, 2 heterozygotes.

PreventionGenetics, part of Exact Sciences
Classification: Benign for PLEC-related condition. Last evaluated: 2019-03-08. Review status: no assertion criteria provided. Collection method: clinical testing. Allele origin: germline. Not counted in ClinVar's aggregate classification.
Comment: This variant is classified as benign based on ACMG/AMP sequence variant interpretation guidelines (Richards et al. 2015 PMID: 25741868, with internal and published modifications).

Genome Diagnostics Laboratory, University Medical Center Utrecht
Classification: Benign. Review status: no assertion criteria provided. Collection method: clinical testing. Allele origin: germline. Affected: yes. Study: VKGL Data-share Consensus. Not counted in ClinVar's aggregate classification.

Laboratory of Diagnostic Genome Analysis, Leiden University Medical Center (LUMC)
Classification: Likely benign. Review status: no assertion criteria provided. Collection method: clinical testing. Allele origin: germline. Affected: yes. Study: VKGL Data-share Consensus. Not counted in ClinVar's aggregate classification.